The following is an entry in ClinVar:

ClinVar aggregate classification (germline): Pathogenic/Likely pathogenic. Review status: criteria provided, multiple submitters, no conflicts (2 of 4 stars). 7 submissions from 7 submitters: Pathogenic (3); Likely pathogenic (4). Last evaluated 2025-08-01.

Conditions:
Cardiovascular phenotype. Identifiers: MedGen CN230736.
Cardiomyopathy (CMYO). Also called: Cardiomyopathies. Identifiers: Orphanet 167848, MedGen C0878544, MONDO:0004994, HP:0001638. Inheritance: Various modes of inheritance.
Arrhythmogenic right ventricular cardiomyopathy (ARVD). Also called: Arrhythmogenic cardiomyopathy; Arrhythmogenic Right Ventricular Cardiomyopathy (ARVC); Cardiomyopathy, ARVC; Arrhythmogenic right ventricular dysplasia. Identifiers: Orphanet 247, MedGen C0349788, MeSH D019571, MONDO:0016587. Disease mechanism: loss of function. Inheritance: Various modes of inheritance.
Arrhythmogenic right ventricular dysplasia 9 (ARVD9). Also called: Arrhythmogenic Right Ventricular Dysplasia/Cardiomyopathy 9; ARRHYTHMOGENIC RIGHT VENTRICULAR DYSPLASIA, FAMILIAL, 9. Identifiers: MedGen C1836906, MONDO:0012180, OMIM 609040.

Allele frequency attached by ClinVar (database versions not stated): gnomAD exomes below 0.00001.
gnomAD v4.1: 6 of 1,613,934 alleles (0.00037%); highest among the groups gnomAD compares: Non-Finnish European, 0.00051%; no homozygotes.

Submissions (7):

GeneDx
Classification: Pathogenic. Last evaluated: 2025-08-01. Review status: criteria provided, single submitter. Criteria: GeneDx Variant Classification Process June 2021. Collection method: clinical testing. Allele origin: germline. Affected: yes.
Comment: Canonical splice site variant predicted to result in a null allele in a gene for which loss of function is a known mechanism of disease; Not observed at significant frequency in large population cohorts (gnomAD); This variant is associated with the following publications: (PMID: 33087929, 26743238, 35536239, 31638835, 36264615, 36129056, 36138163)

Ambry Genetics
Classification: Likely pathogenic for Cardiovascular phenotype. Last evaluated: 2025-07-23. Review status: criteria provided, single submitter. Criteria: Ambry Variant Classification Scheme 2023. Collection method: clinical testing. Allele origin: germline.
Comment: The c.2299+1G>A intronic variant results from a G to A substitution one nucleotide after coding exon 11 of the PKP2 gene. This variant was reported in individuals with features consistent with arrhythmogenic right ventricular cardiomyopathy (ARVC); however, details were limited (Adler A et al. Circ Arrhythm Electrophysiol. 2016;9:e003440). This nucleotide position is highly conserved in available vertebrate species. In silico splice site analysis predicts that this alteration will weaken the native splice donor site. This variant is considered to be rare based on population cohorts in the Genome Aggregation Database (gnomAD). Alterations that disrupt the canonical splice site are expected to cause aberrant splicing, resulting in an abnormal protein or a transcript that is subject to nonsense-mediated mRNA decay. As such, this alteration is classified as likely pathogenic.

Labcorp Genetics (formerly Invitae), Labcorp
Classification: Pathogenic for Arrhythmogenic right ventricular dysplasia 9. Last evaluated: 2024-11-11. Review status: criteria provided, single submitter. Criteria: Invitae Variant Classification Sherloc (09022015). Collection method: clinical testing. Allele origin: germline.
Comment: This sequence change affects a donor splice site in intron 11 of the PKP2 gene. It is expected to disrupt RNA splicing. Variants that disrupt the donor or acceptor splice site typically lead to a loss of protein function (PMID: 16199547), and loss-of-function variants in PKP2 are known to be pathogenic (PMID: 15489853, 17041889, 23911551). This variant is not present in population databases (gnomAD no frequency). Disruption of this splice site has been observed in individuals with arrhythmogenic right ventricular cardiomyopathy (PMID: 26743238, 36138163). ClinVar contains an entry for this variant (Variation ID: 202005). Algorithms developed to predict the effect of sequence changes on RNA splicing suggest that this variant may disrupt the consensus splice site. For these reasons, this variant has been classified as Pathogenic.

Color Diagnostics, LLC DBA Color Health
Classification: Likely pathogenic for Cardiomyopathy. Last evaluated: 2023-05-23. Review status: criteria provided, single submitter. Criteria: ACMG Guidelines, 2015. Collection method: clinical testing. Allele origin: germline.
Comment: This variant causes a G to A nucleotide substitution at the +1 position of intron 11 of the PKP2 gene. Splice site prediction tools predict that this variant may have a significant impact on RNA splicing. Although this prediction has not been confirmed in published RNA studies, this variant is expected to result in an absent or disrupted protein product. This variant has been reported in a few individuals affected with arrhythmogenic right ventricular cardiomyopathy (PMID: 26743238, 36138163). This variant has not been identified in the general population by the Genome Aggregation Database (gnomAD). Loss of PKP2 function is a known mechanism of disease. Based on the available evidence, this variant is classified as Likely Pathogenic.

All of Us Research Program, National Institutes of Health
Classification: Likely pathogenic for Arrhythmogenic right ventricular cardiomyopathy. Last evaluated: 2023-04-15. Review status: criteria provided, single submitter. Criteria: ACMG Guidelines, 2015. Collection method: clinical testing. Allele origin: germline. Inheritance: Autosomal dominant inheritance. Observed: 1 variant allele, 1 heterozygote.
Comment: This variant disrupts a canonical splice site and is predicted to result in abnormal splicing. Aberrant splicing and/or loss of function is an established mechanism of disease. This prediction has not been confirmed by functional studies. This variant has been reported in at least two patients with cardiac arrest and/or referred to an inherited arrhythmia clinic (PMID: 26743238, 36138163). The PKP2 c.2299+1G>A variant co-occurred with a pathogenic DSG2 variant in one proband and with a MYH11 variant of uncertain significance in another proband, and it was observed in several asymptomatic family members (PMID: 36138163). The PKP2 c.2299+1G>A variant is absent from large population databases, including the Genome Aggregation Database.

This study involves interpretation of variants in research participants for the purpose of population health screening. Participant phenotype was not available at the time of variant classification. Additional details can be found in publication PMID: 35346344, PMCID: PMC8962531

Laboratory for Molecular Medicine, Mass General Brigham Personalized Medicine
Classification: Likely pathogenic for Arrhythmogenic right ventricular cardiomyopathy. Last evaluated: 2017-06-12. Review status: criteria provided, single submitter. Criteria: ACMG Guidelines, 2015. Collection method: clinical testing. Allele origin: germline.
Comment: The c.2299+1G>A variant in PKP2 has not been previously reported in individuals with cardiomyopathy or in large population studies, but has been reported in ClinVar (Variation ID: 202005). This variant occurs in the invariant region (+/- 1,2) of the splice consensus sequence and is predicted to cause altered splicing leading to an abnormal or absent protein. Splicing variants and other truncating variants in PKP2 are an established disease mechanism in ARVC. In summary, although additional studies are required to fully establish its clinical significance, the c.2299+1G>A variant is likely pathogenic.

Molecular Diagnostic Laboratory for Inherited Cardiovascular Disease, Montreal Heart Institute
Classification: Pathogenic. Last evaluated: 2016-12-22. Review status: criteria provided, single submitter. Criteria: ACMG Guidelines, 2015. Collection method: clinical testing. Allele origin: germline. Affected: yes.

Literature cited by the submitters: PubMed 26743238 (cited by 4 submitters); PubMed 16199547 (cited by Labcorp Genetics (formerly Invitae), Labcorp); PubMed 15489853 (cited by Labcorp Genetics (formerly Invitae), Labcorp); PubMed 17041889 (cited by Labcorp Genetics (formerly Invitae), Labcorp); PubMed 23911551 (cited by Labcorp Genetics (formerly Invitae), Labcorp); PubMed 36138163 (cited by 3 submitters).

NM_001005242.3(PKP2):c.2167+1G>A

Gene: PKP2 (plakophilin 2; minus strand). Cytogenetic location: 12p11.21.
Variant type: single nucleotide variant.
Coding change: c.2167+1G>A on transcript NM_001005242.3 (MANE Select); the canonical splice donor site of the intron after coding-DNA position 2167, G replaced by A.
Molecular consequence: splice donor variant.
Genome position (GRCh38, 1-based): chr12:32,802,402, C>T on the plus strand (G>A on the coding strand, the complement: PKP2 is on the minus strand). VCF-style: chr12-32802402-C-T. GRCh37 (hg19) VCF-style: chr12-32955336-C-T.
Other names: c.2002+1G>A (NM_001407156.1); c.2167+1G>A (NM_001407155.1); c.2299+1G>A (NM_004572.4); c.1840+1G>A (NM_001407160.1, NM_001407159.1, NM_001407158.1).
Identifiers: ClinVar variation 202005 (VCV000202005.18), dbSNP rs794729116, ClinGen allele CA011854.